The following is an entry in ClinVar:

NM_004237.4(TRIP13):c.906C>T (p.Thr302=)

Gene: TRIP13 (thyroid hormone receptor interactor 13; plus strand). Cytogenetic location: 5p15.33.
Variant type: single nucleotide variant.
Coding change: c.906C>T on transcript NM_004237.4 (MANE Select); coding-DNA position 906, C replaced by T.
Protein change: p.Thr302=; no amino-acid change (threonine 302 retained).
Molecular consequence: synonymous variant.
Genome position (GRCh38, 1-based): chr5:911,882, C>T. VCF-style: chr5-911882-C-T. GRCh37 (hg19) VCF-style: chr5-911997-C-T.
Identifiers: ClinVar variation 3030857 (VCV003030857.4), dbSNP rs140779385, ClinGen allele CA3180025.

ClinVar aggregate classification (germline): Likely benign. Review status: criteria provided, single submitter (1 of 4 stars). 2 submissions from 2 submitters: Likely benign (1). 1 of the submissions does not count toward it. Last evaluated 2025-12-08.

Conditions:
TRIP13-related disorder. Also called: TRIP13-related condition.

Allele frequency attached by ClinVar (database versions not stated): 1000 Genomes Project 30x 0.00016.
gnomAD v4.1: 39 of 1,613,776 alleles (0.0024%); highest among the groups gnomAD compares: African/African-American, 0.013%; no homozygotes.

Submissions (2):

Labcorp Genetics (formerly Invitae), Labcorp
Classification: Likely benign. Last evaluated: 2025-12-08. Review status: criteria provided, single submitter. Criteria: Invitae Variant Classification Sherloc (09022015). Collection method: clinical testing. Allele origin: germline.

PreventionGenetics, part of Exact Sciences
Classification: Likely benign for TRIP13-related condition. Last evaluated: 2022-05-10. Review status: no assertion criteria provided. Collection method: clinical testing. Allele origin: germline. Not counted in ClinVar's aggregate classification.
Comment: This variant is classified as likely benign based on ACMG/AMP sequence variant interpretation guidelines (Richards et al. 2015 PMID: 25741868, with internal and published modifications).